The following is an entry in ClinVar:

ClinVar aggregate classification (germline): Uncertain significance (1 of 4 stars; one submission).

Allele frequency attached by ClinVar (database versions not stated): gnomAD exomes 0.00001; ExAC 0.00002; gnomAD 0.00002; TOPMed 0.00003; ESP Exome Variant Server 0.00008.
gnomAD v4.1: 21 of 1,609,922 alleles (0.0013%); highest among the groups gnomAD compares: East Asian, 0.0045%; no homozygotes.

Submission:

Labcorp Genetics (formerly Invitae), Labcorp
Classification: Uncertain significance. Last evaluated: 2021-12-12. Review status: criteria provided, single submitter. Criteria: Invitae Variant Classification Sherloc (09022015). Collection method: clinical testing. Allele origin: germline.
Comment: In summary, the available evidence is currently insufficient to determine the role of this variant in disease. Therefore, it has been classified as a Variant of Uncertain Significance. Algorithms developed to predict the effect of missense changes on protein structure and function (SIFT, PolyPhen-2, Align-GVGD) all suggest that this variant is likely to be tolerated. This variant has not been reported in the literature in individuals affected with TCTEX1D2-related conditions. This variant is present in population databases (rs144257417, gnomAD 0.007%). This sequence change replaces valine, which is neutral and non-polar, with isoleucine, which is neutral and non-polar, at codon 133 of the TCTEX1D2 protein (p.Val133Ile).

NM_152773.5(DYNLT2B):c.397G>A (p.Val133Ile)

Gene: DYNLT2B (dynein light chain Tctex-type 2B; minus strand). Cytogenetic location: 3q29.
Variant type: single nucleotide variant.
Coding change: c.397G>A on transcript NM_152773.5 (MANE Select); coding-DNA position 397, G replaced by A.
Protein change: p.Val133Ile; replaces valine 133 with isoleucine.
Molecular consequence: missense variant.
Genome position (GRCh38, 1-based): chr3:196,291,359, C>T on the plus strand (G>A on the coding strand, the complement: DYNLT2B is on the minus strand). VCF-style: chr3-196291359-C-T. GRCh37 (hg19) VCF-style: chr3-196018230-C-T.
Other names: c.392G>A, p.Arg131His (NM_001351628.2); short protein forms R131H, V133I.
Identifiers: ClinVar variation 2199314 (VCV002199314.3), dbSNP rs144257417, ClinGen allele CA2779701.
Genomic context (GRCh38, chr3:196,291,359, plus strand): 5'-GTCTTTTACCAGCTTTTCAAAGATTCATTCAGTAGTAGAAACAGCCAAATGCTGCTACAA[C>T]GCAGAATAAACTGTCCTAAAAAATAAATACAACACACACACACATCCAGAATGTTAGTAC-3'
Protein context (NP_689986.2, residues 123-142): DVFMNDSLFC[Val133Ile]VAAFGCFYY